The following is an entry in ClinVar:

ClinVar aggregate classification (germline): Uncertain significance. Review status: criteria provided, multiple submitters, no conflicts (2 of 4 stars). 2 submissions from 2 submitters: Uncertain significance (2). Last evaluated 2021-12-31.

Conditions:
MEGF8-related Carpenter syndrome. Also called: Carpenter syndrome 2. Identifiers: Orphanet 65759, MedGen C3554247, MONDO:0013998, OMIM 614976.

Allele frequency attached by ClinVar (database versions not stated): gnomAD exomes below 0.00001 and 0.00002; TOPMed below 0.00001.
gnomAD v4.1: 7 of 1,610,934 alleles (0.00043%); highest among the groups gnomAD compares: Admixed American, 0.0083%; no homozygotes.

Submissions (2):

Labcorp Genetics (formerly Invitae), Labcorp
Classification: Uncertain significance for MEGF8-related Carpenter syndrome. Last evaluated: 2021-12-31. Review status: criteria provided, single submitter. Criteria: Invitae Variant Classification Sherloc (09022015). Collection method: clinical testing. Allele origin: germline.
Comment: This sequence change replaces serine, which is neutral and polar, with phenylalanine, which is neutral and non-polar, at codon 360 of the MEGF8 protein (p.Ser360Phe). This variant is present in population databases (no rsID available, gnomAD 0.009%). This variant has not been reported in the literature in individuals affected with MEGF8-related conditions. ClinVar contains an entry for this variant (Variation ID: 423839). Algorithms developed to predict the effect of missense changes on protein structure and function are either unavailable or do not agree on the potential impact of this missense change (SIFT: "Deleterious"; PolyPhen-2: "Benign"; Align-GVGD: "Class C0"). In summary, the available evidence is currently insufficient to determine the role of this variant in disease. Therefore, it has been classified as a Variant of Uncertain Significance.

GeneDx
Classification: Uncertain significance. Last evaluated: 2017-02-24. Review status: criteria provided, single submitter. Criteria: GeneDx Variant Classification (06012015). Collection method: clinical testing. Allele origin: germline. Affected: yes.
Comment: The S360F variant in the MEGF8 gene has not been reported previously as a pathogenic variant, nor as a benign variant, to our knowledge. The S360F variant is not observed in large population cohorts (Lek et al., 2016; 1000 Genomes Consortium et al., 2015; Exome Variant Server). The S360F variant is a non-conservative amino acid substitution, which is likely to impact secondary protein structure as these residues differ in polarity, charge, size and/or other properties. This substitution occurs at a position that is conserved across species. In silico analysis predicts this variant is probably damaging to the protein structure/function. We interpret S360F as a variant of uncertain significance.

NM_001271938.2(MEGF8):c.1079C>T (p.Ser360Phe)

Gene: MEGF8 (multiple EGF like domains 8; plus strand). Cytogenetic location: 19q13.2.
Variant type: single nucleotide variant.
Coding change: c.1079C>T on transcript NM_001271938.2 (MANE Select); coding-DNA position 1079, C replaced by T.
Protein change: p.Ser360Phe; replaces serine 360 with phenylalanine.
Molecular consequence: missense variant.
Genome position (GRCh38, 1-based): chr19:42,336,181, C>T. VCF-style: chr19-42336181-C-T. GRCh37 (hg19) VCF-style: chr19-42840333-C-T.
Other names: c.1079C>T, p.Ser360Phe (NM_001410.3); short protein forms S360F.
Identifiers: ClinVar variation 423839 (VCV000423839.10), dbSNP rs1064796651, ClinGen allele CA16620861.